The following is an entry in ClinVar:

NM_001128840.3(CACNA1D):c.4310G>A (p.Ser1437Asn)

Gene: CACNA1D (calcium voltage-gated channel subunit alpha1 D; plus strand). Cytogenetic location: 3p21.1.
Variant type: single nucleotide variant.
Coding change: c.4310G>A on transcript NM_001128840.3 (MANE Select); coding-DNA position 4310, G replaced by A.
Protein change: p.Ser1437Asn; replaces serine 1437 with asparagine.
Molecular consequence: missense variant.
Genome position (GRCh38, 1-based): chr3:53,775,993, G>A. VCF-style: chr3-53775993-G-A. GRCh37 (hg19) VCF-style: chr3-53810020-G-A.
Other names: c.4370G>A, p.Ser1457Asn (NM_000720.4); c.4265G>A, p.Ser1422Asn (NM_001128839.3); short protein forms S1437N, S1457N, S1422N.
Identifiers: ClinVar variation 1365920 (VCV001365920.6), dbSNP rs2109034440, ClinGen allele CA353242110.

ClinVar aggregate classification (germline): Uncertain significance (1 of 4 stars; one submission).

Submission:

Labcorp Genetics (formerly Invitae), Labcorp
Classification: Uncertain significance. Last evaluated: 2023-08-28. Review status: criteria provided, single submitter. Criteria: Invitae Variant Classification Sherloc (09022015). Collection method: clinical testing. Allele origin: germline.
Comment: ClinVar contains an entry for this variant (Variation ID: 1365920). This sequence change replaces serine, which is neutral and polar, with asparagine, which is neutral and polar, at codon 1457 of the CACNA1D protein (p.Ser1457Asn). This variant is not present in population databases (gnomAD no frequency). This variant has not been reported in the literature in individuals affected with CACNA1D-related conditions. Advanced modeling of protein sequence and biophysical properties (such as structural, functional, and spatial information, amino acid conservation, physicochemical variation, residue mobility, and thermodynamic stability) performed at Invitae indicates that this missense variant is not expected to disrupt CACNA1D protein function. In summary, the available evidence is currently insufficient to determine the role of this variant in disease. Therefore, it has been classified as a Variant of Uncertain Significance.